The following is an entry in ClinVar:

ClinVar aggregate classification (germline): Conflicting classifications of pathogenicity. Review status: criteria provided, conflicting classifications (1 of 4 stars). 2 submissions from 2 submitters: Uncertain significance (1); Likely benign (1). Last evaluated 2022-03-28.

Conditions:
Hereditary pancreatitis (PCTT). Also called: Hereditary chronic pancreatitis; PRSS1-Related Hereditary Pancreatitis. Identifiers: Orphanet 676, MedGen C0238339, MONDO:0008185, OMIM 167800.

Allele frequency attached by ClinVar (database versions not stated): ExAC 0.00010; gnomAD 0.01072; 1000 Genomes Project 30x 0.11384.
gnomAD v4.1: 6,350 of 1,140,774 alleles (0.56%); highest among the groups gnomAD compares: African/African-American, 1.2%; no homozygotes.

Submissions (2):

Labcorp Genetics (formerly Invitae), Labcorp
Classification: Uncertain significance for Hereditary pancreatitis. Last evaluated: 2022-03-28. Review status: criteria provided, single submitter. Criteria: Invitae Variant Classification Sherloc (09022015). Collection method: clinical testing. Allele origin: germline.
Comment: This sequence change replaces aspartic acid, which is acidic and polar, with asparagine, which is neutral and polar, at codon 100 of the PRSS1 protein (p.Asp100Asn). The frequency data for this variant in the population databases is considered unreliable, as metrics indicate poor data quality at this position in the gnomAD database. This variant has not been reported in the literature in individuals affected with PRSS1-related conditions. Algorithms developed to predict the effect of missense changes on protein structure and function output the following: SIFT: "Tolerated"; PolyPhen-2: "Benign"; Align-GVGD: "Class C0". The asparagine amino acid residue is found in multiple mammalian species, which suggests that this missense change does not adversely affect protein function. In summary, the available evidence is currently insufficient to determine the role of this variant in disease. Therefore, it has been classified as a Variant of Uncertain Significance.

Ambry Genetics
Classification: Likely benign for Hereditary pancreatitis. Last evaluated: 2021-07-21. Review status: criteria provided, single submitter. Criteria: Ambry Variant Classification Scheme 2023. Collection method: clinical testing. Allele origin: germline.

NM_002769.5(PRSS1):c.298G>A (p.Asp100Asn)

Genes: TRB (T cell receptor beta locus; plus strand), PRSS1 (serine protease 1; plus strand). Cytogenetic location: 7q34.
Variant type: single nucleotide variant.
Coding change: c.298G>A on transcript NM_002769.5 (MANE Select); coding-DNA position 298, G replaced by A.
Protein change: p.Asp100Asn; replaces aspartic acid 100 with asparagine.
Molecular consequence: missense variant. On other transcripts: non-coding transcript variant (4).
Genome position (GRCh38, 1-based): chr7:142,751,871, G>A. VCF-style: chr7-142751871-G-A. GRCh37 (hg19) VCF-style: chr7-142459722-G-A.
Other names: short protein forms D100N.
Identifiers: ClinVar variation 1798500 (VCV001798500.7), dbSNP rs199507985, ClinGen allele CA4529914.